The following is an entry in ClinVar:

ClinVar aggregate classification (germline): Uncertain significance (1 of 4 stars; one submission).

Allele frequency attached by ClinVar (database versions not stated): gnomAD exomes below 0.00001.
gnomAD v4.1: 4 of 1,614,060 alleles (0.00025%); highest among the groups gnomAD compares: African/African-American, 0.0013%; no homozygotes.

Submission:

Greenwood Genetic Center Diagnostic Laboratories, Greenwood Genetic Center
Classification: Uncertain significance. Last evaluated: 2021-10-08. Review status: criteria provided, single submitter. Criteria: ACMG Guidelines, 2015. Collection method: clinical testing. Allele origin: germline. Affected: yes.
Comment: BP4

NM_001375524.1(TRRAP):c.4464C>T (p.Ser1488=)

Gene: TRRAP (transformation/transcription domain associated protein; plus strand). Cytogenetic location: 7q22.1.
Variant type: single nucleotide variant.
Coding change: c.4464C>T on transcript NM_001375524.1 (MANE Select); coding-DNA position 4464, C replaced by T.
Protein change: p.Ser1488=; no amino-acid change (serine 1488 retained).
Molecular consequence: synonymous variant.
Genome position (GRCh38, 1-based): chr7:98,943,008, C>T. VCF-style: chr7-98943008-C-T. GRCh37 (hg19) VCF-style: chr7-98540631-C-T.
Other names: c.4464C>T, p.Ser1488= (NM_001244580.2, NM_003496.4).
Identifiers: ClinVar variation 1334621 (VCV001334621.4), dbSNP rs1554416035, ClinGen allele CA456659366.